The following is an entry in ClinVar:

NM_000523.4(HOXD13):c.78CTC[2] (p.Ser30del)

Gene: HOXD13 (homeobox D13; plus strand). Cytogenetic location: 2q31.1.
Variant type: Microsatellite.
Coding change: c.78CTC[2] on transcript NM_000523.4 (MANE Select); two copies in a row of the 3-base unit CTC starting at c.78; the reference has three copies in a row; one copy, 3 bases deleted.
Protein change: p.Ser30del; deletes serine 30.
Molecular consequence: inframe deletion.
Genome position (GRCh38, 1-based): chr2:176,092,974-176,092,976, CTC deleted; deleting any 3 consecutive bases within chr2:176,092,966-176,092,976 gives the same sequence; the position shown is the placement nearest the transcript's 3' end. VCF-style (leftmost placement, unchanged base first): chr2-176092965-TTCC-T. GRCh37 (hg19) VCF-style: chr2-176957693-TTCC-T.
Other names: short protein forms S30del.
Identifiers: ClinVar variation 1302728 (VCV001302728.2), dbSNP rs1052549254, ClinGen allele CA60845603.

ClinVar aggregate classification (germline): Uncertain significance (1 of 4 stars; one submission).

Submission:

GeneDx
Classification: Uncertain significance. Last evaluated: 2019-04-11. Review status: criteria provided, single submitter. Criteria: GeneDx Variant Classification Process June 2021. Collection method: clinical testing. Allele origin: germline. Affected: yes.
Comment: Not observed in large population cohorts (Lek et al., 2016); In-frame deletion in a repetitive region with no known function; Has not been previously published as pathogenic or benign to our knowledge